The following is an entry in ClinVar:

ClinVar aggregate classification (germline): Uncertain significance. Review status: criteria provided, multiple submitters, no conflicts (2 of 4 stars). 2 submissions from 2 submitters: Uncertain significance (2). Last evaluated 2025-05-26.

Conditions:
Inborn genetic diseases. Identifiers: MedGen C0950123, MeSH D030342.

gnomAD v4.1: 1 of 1,210,496 alleles (0.000083%); no homozygotes.

Submissions (2):

Ambry Genetics
Classification: Uncertain significance for Inborn genetic diseases. Last evaluated: 2025-05-26. Review status: criteria provided, single submitter. Criteria: Ambry Variant Classification Scheme 2023. Collection method: clinical testing. Allele origin: germline.

GeneDx
Classification: Uncertain significance. Last evaluated: 2024-06-14. Review status: criteria provided, single submitter. Criteria: GeneDx Variant Classification Process June 2021. Collection method: clinical testing. Allele origin: germline. Affected: yes.
Comment: Not observed at significant frequency in large population cohorts (gnomAD); In silico analysis indicates that this missense variant does not alter protein structure/function; Has not been previously published as pathogenic or benign to our knowledge

NM_001368397.1(FRMPD4):c.3809A>T (p.Asn1270Ile)

Gene: FRMPD4 (FERM and PDZ domain containing 4; plus strand). Cytogenetic location: Xp22.2.
Variant type: single nucleotide variant.
Coding change: c.3809A>T on transcript NM_001368397.1 (MANE Select); coding-DNA position 3809, A replaced by T.
Protein change: p.Asn1270Ile; replaces asparagine 1270 with isoleucine.
Molecular consequence: missense variant.
Genome position (GRCh38, 1-based): chrX:12,718,635, A>T. VCF-style: chrX-12718635-A-T. GRCh37 (hg19) VCF-style: chrX-12736754-A-T.
Other names: c.3920A>T, p.Asn1307Ile (NM_001368395.3, NM_001368398.3); c.3815A>T, p.Asn1272Ile (NM_001368396.3); c.3800A>T, p.Asn1267Ile (NM_001368399.3); c.3689A>T, p.Asn1230Ile (NM_001368400.3); c.3785A>T, p.Asn1262Ile (NM_001368401.1, NM_001368402.3); c.3809A>T, p.Asn1270Ile (NM_014728.3); short protein forms N1230I, N1262I, N1267I, N1270I, N1272I, N1307I.
Identifiers: ClinVar variation 3390519 (VCV003390519.2).